The following is an entry in ClinVar:

ClinVar aggregate classification (germline): Uncertain significance (1 of 4 stars; one submission).

Allele frequency attached by ClinVar (database versions not stated): TOPMed 0.00001; gnomAD exomes 0.00002; ExAC 0.00001; gnomAD 0.00001.

Submission:

GeneDx
Classification: Uncertain significance. Last evaluated: 2026-07-30. Review status: criteria provided, single submitter. Criteria: GeneDx Variant Classification Process June 2021. Collection method: clinical testing. Allele origin: germline.
Comment: In silico analysis supports that this missense variant has a deleterious effect on protein structure/function; Has not been previously published as pathogenic or benign to our knowledge; Not observed at significant frequency in large population cohorts (gnomAD)

NM_024528.4(NKAP):c.65G>C (p.Arg22Pro)

Gene: NKAP (NFKB activating protein; minus strand). Cytogenetic location: Xq24.
Variant type: single nucleotide variant.
Coding change: c.65G>C on transcript NM_024528.4 (MANE Select); coding-DNA position 65, G replaced by C.
Protein change: p.Arg22Pro; replaces arginine 22 with proline.
Molecular consequence: missense variant.
Genome position (GRCh38, 1-based): chrX:119,943,541, C>G on the plus strand (G>C on the coding strand, the complement: NKAP is on the minus strand). VCF-style: chrX-119943541-C-G. GRCh37 (hg19) VCF-style: chrX-119077504-C-G.
Other names: short protein forms R22P.
Identifiers: ClinVar variation 3252831 (VCV003252831.2), dbSNP rs775532105.